The following is an entry in ClinVar:

ClinVar aggregate classification (germline): Uncertain significance (1 of 4 stars; one submission).

Conditions:
Leukodystrophy, hypomyelinating, 6. Also called: LEUKODYSTROPHY, HYPOMYELINATING, WITH ATROPHY OF THE BASAL GANGLIA AND CEREBELLUM; Hypomyelination with Atrophy of Basal Ganglia and Cerebellum (H-ABC); TUBB4A-Associated Leukodystrophy. Identifiers: Orphanet 139441, MedGen C2676244, MONDO:0012905, OMIM 612438.

Submission:

Diagnostics Services (NGS), CSIR - Centre For Cellular And Molecular Biology
Classification: Uncertain significance for Leukodystrophy, hypomyelinating, 6. Last evaluated: 2024-11-06. Review status: criteria provided, single submitter. Criteria: ACMG Guidelines, 2015. Collection method: clinical testing. Allele origin: unknown. Affected: yes. Observed: 1 variant allele, 1 heterozygote.
Comment: The c.883G>C variant is not present in publicly available population databases like 1000 Genomes, EVS, Indian Exome Database or our in-house exome database. The variant is present in ExAC and gnomAD at low frequencies. This variant has neither been published in literature with TUBB4A-related conditions nor reported to the clinical databases like ClinVar, Human Genome Mutation Database (HGMD) or OMIM, in any affected individuals. In-silico pathogenicity prediction programs like SIFT, Polyphen-2, MutationTaster2, CADD, Varsome etc predicted this variant to be likely deleterious, however these predictions were not confirmed by published functional studies. This variant is located in a mutational hotspot region of the gene and a different amino acid change in the same codon (Asp295Asn) has been previously observed in affected individuals [PMID: 32943487].

NM_006087.4(TUBB4A):c.883G>C (p.Asp295His)

Gene: TUBB4A (tubulin beta 4A class IVa; minus strand). Cytogenetic location: 19p13.3.
Variant type: single nucleotide variant.
Coding change: c.883G>C on transcript NM_006087.4 (MANE Select); coding-DNA position 883, G replaced by C.
Protein change: p.Asp295His; replaces aspartic acid 295 with histidine.
Molecular consequence: missense variant.
Genome position (GRCh38, 1-based): chr19:6,495,616, C>G on the plus strand (G>C on the coding strand, the complement: TUBB4A is on the minus strand). VCF-style: chr19-6495616-C-G. GRCh37 (hg19) VCF-style: chr19-6495627-C-G.
Other names: c.1036G>C, p.Asp346His (NM_001289123.2); c.1018G>C, p.Asp340His (NM_001289127.2); c.883G>C, p.Asp295His (NM_001289129.2); c.667G>C, p.Asp223His (NM_001289130.2, NM_001289131.2); short protein forms D223H, D295H, D340H, D346H.
Identifiers: ClinVar variation 3383369 (VCV003383369.1).